The following is an entry in ClinVar:

ClinVar aggregate classification (germline): Uncertain significance (1 of 4 stars; one submission).

Conditions:
POMC-related disorder. Also called: POMC-related condition; POMC-related disorders.

gnomAD v4.1: 3 of 1,606,098 alleles (0.00019%); highest among the groups gnomAD compares: Admixed American, 0.0051%; no homozygotes.

Submission:

PreventionGenetics, part of Exact Sciences
Classification: Uncertain significance for POMC-related condition. Last evaluated: 2026-08-06. Review status: criteria provided, single submitter. Criteria: ACMG Guidelines, 2015. Collection method: clinical testing. Allele origin: germline.
Comment: The POMC c.541A>T variant is predicted to result in the amino acid substitution p.Thr181Ser. To our knowledge, this variant has not been reported in the literature. This variant is reported in 0.0061% of alleles in individuals of Latino descent in gnomAD. At this time, the clinical significance of this variant is uncertain due to the absence of conclusive functional and genetic evidence.

NM_000939.4(POMC):c.541A>T (p.Thr181Ser)

Gene: POMC (proopiomelanocortin; minus strand). Cytogenetic location: 2p23.3.
Variant type: single nucleotide variant.
Coding change: c.541A>T on transcript NM_000939.4 (MANE Select); coding-DNA position 541, A replaced by T.
Protein change: p.Thr181Ser; replaces threonine 181 with serine.
Molecular consequence: missense variant.
Genome position (GRCh38, 1-based): chr2:25,161,344, T>A on the plus strand (A>T on the coding strand, the complement: POMC is on the minus strand). VCF-style: chr2-25161344-T-A. GRCh37 (hg19) VCF-style: chr2-25384213-T-A.
Other names: c.541A>T, p.Thr181Ser (NM_001035256.3, NM_001319204.2, NM_001319205.2); short protein forms T181S.
Identifiers: ClinVar variation 4977247 (VCV004977247.1).